The following is an entry in ClinVar:

ClinVar aggregate classification (germline): Benign (1 of 4 stars; one submission).

Allele frequency attached by ClinVar (database versions not stated): 1000 Genomes Project 30x 0.78217; TOPMed 0.78553; 1000 Genomes Project 0.79193; gnomAD 0.79513 and 0.80647; gnomAD exomes 0.94687.
gnomAD v4.1: 550,590 of 604,812 alleles (91%); highest among the groups gnomAD compares: Non-Finnish European, 97%; 258,195 homozygotes.

Submission:

GeneDx
Classification: Benign. Last evaluated: 2018-06-14. Review status: criteria provided, single submitter. Criteria: GeneDx Variant Classification (06012015). Collection method: clinical testing. Allele origin: germline. Affected: yes.
Comment: This variant is considered likely benign or benign based on one or more of the following criteria: it is a conservative change, it occurs at a poorly conserved position in the protein, it is predicted to be benign by multiple in silico algorithms, and/or has population frequency not consistent with disease.

NM_005097.4(LGI1):c.432-185A>G

Gene: LGI1 (leucine rich glioma inactivated 1; plus strand). Cytogenetic location: 10q23.33.
Variant type: single nucleotide variant.
Coding change: c.432-185A>G on transcript NM_005097.4 (MANE Select); 185 bases into the intron before coding-DNA position 432, A replaced by G.
Molecular consequence: intron variant.
Genome position (GRCh38, 1-based): chr10:93,789,914, A>G. VCF-style: chr10-93789914-A-G. GRCh37 (hg19) VCF-style: chr10-95549671-A-G.
Other names: c.432-185A>G (NM_001308275.2); c.288-185A>G (NM_001308276.2).
Identifiers: ClinVar variation 683031 (VCV000683031.1), dbSNP rs4375374, ClinGen allele CA16398527.